The following is an entry in ClinVar:

NM_001370466.1(NOD2):c.2665G>A (p.Ala889Thr)

Gene: NOD2 (nucleotide binding oligomerization domain containing 2; plus strand). Cytogenetic location: 16q12.1.
Variant type: single nucleotide variant.
Coding change: c.2665G>A on transcript NM_001370466.1 (MANE Select); coding-DNA position 2665, G replaced by A.
Protein change: p.Ala889Thr; replaces alanine 889 with threonine.
Molecular consequence: missense variant. On other transcripts: non-coding transcript variant (1).
Genome position (GRCh38, 1-based): chr16:50,722,653, G>A. VCF-style: chr16-50722653-G-A. GRCh37 (hg19) VCF-style: chr16-50756564-G-A.
Other names: c.2665G>A, p.Ala889Thr (NM_001293557.2); c.2746G>A, p.Ala916Thr (NM_022162.3); short protein forms A889T, A916T.
Identifiers: ClinVar variation 2929588 (VCV002929588.3), dbSNP rs778408661, ClinGen allele CA395875115.

ClinVar aggregate classification (germline): Uncertain significance (1 of 4 stars; one submission).

Conditions:
Regional enteritis. Also called: Enteritis, Granulomatous. Identifiers: MedGen C0678202, MeSH D003424.
Blau syndrome (BLAUS). Also called: ARTHROCUTANEOUVEAL GRANULOMATOSIS; GRANULOMATOSIS, FAMILIAL JUVENILE SYSTEMIC; GRANULOMATOSIS, FAMILIAL, BLAU TYPE; GRANULOMATOUS INFLAMMATORY ARTHRITIS, DERMATITIS, AND UVEITIS, FAMILIAL; JABS SYNDROME. Identifiers: Orphanet 90340, MedGen C5201146, MONDO:0008523, OMIM 186580.

Allele frequency attached by ClinVar (database versions not stated): TOPMed below 0.00001; gnomAD 0.00001.
gnomAD v4.1: 7 of 1,614,128 alleles (0.00043%); highest among the groups gnomAD compares: East Asian, 0.0022%; no homozygotes.

Submission:

Labcorp Genetics (formerly Invitae), Labcorp
Classification: Uncertain significance for Regional enteritis; Blau syndrome. Last evaluated: 2022-11-02. Review status: criteria provided, single submitter. Criteria: Invitae Variant Classification Sherloc (09022015). Collection method: clinical testing. Allele origin: germline.
Comment: In summary, the available evidence is currently insufficient to determine the role of this variant in disease. Therefore, it has been classified as a Variant of Uncertain Significance. Advanced modeling of protein sequence and biophysical properties (such as structural, functional, and spatial information, amino acid conservation, physicochemical variation, residue mobility, and thermodynamic stability) performed at Invitae indicates that this missense variant is not expected to disrupt NOD2 protein function. This variant has not been reported in the literature in individuals affected with NOD2-related conditions. This variant is not present in population databases (gnomAD no frequency). This sequence change replaces alanine, which is neutral and non-polar, with threonine, which is neutral and polar, at codon 916 of the NOD2 protein (p.Ala916Thr).